The following is an entry in ClinVar:

ClinVar aggregate classification (germline): Uncertain significance (1 of 4 stars; one submission).

Conditions:
Spermatogenic failure 3 (SPGF3). Identifiers: Orphanet 276234, MedGen C4721889, MONDO:0011720, OMIM 606766.

gnomAD v4.1: 2 of 1,614,198 alleles (0.00012%); highest among the groups gnomAD compares: Non-Finnish European, 0.00017%; no homozygotes.

Submission:

MGZ Medical Genetics Center
Classification: Uncertain significance for Spermatogenic failure 3. Last evaluated: 2022-05-02. Review status: criteria provided, single submitter. Criteria: ACMG Guidelines, 2015. Collection method: clinical testing. Allele origin: germline. Affected: yes. Observed: 1 variant allele.
Comment: ACMG criteria applied: PM2_SUP

NM_052961.4(SLC26A8):c.2031T>G (p.Tyr677Ter)

Gene: SLC26A8 (solute carrier family 26 member 8; minus strand). Cytogenetic location: 6p21.31.
Variant type: single nucleotide variant.
Coding change: c.2031T>G on transcript NM_052961.4 (MANE Select); coding-DNA position 2031, T replaced by G.
Protein change: p.Tyr677Ter; replaces tyrosine 677 with a stop codon.
Molecular consequence: nonsense.
Genome position (GRCh38, 1-based): chr6:35,955,353, A>C on the plus strand (T>G on the coding strand, the complement: SLC26A8 is on the minus strand). VCF-style: chr6-35955353-A-C. GRCh37 (hg19) VCF-style: chr6-35923130-A-C.
Other names: c.2031T>G, p.Tyr677Ter (NM_001193476.2); c.1716T>G, p.Tyr572Ter (NM_138718.3); short protein forms Y572*, Y677*.
Identifiers: ClinVar variation 1709524 (VCV001709524.2), dbSNP rs758016136, ClinGen allele CA3775354.
Genomic context (GRCh38, chr6:35,955,353, plus strand): 5'-CAGTCCTGGTGAGCTGTTTCTTGATGAGTTATTAGGAAGCCAAACTTCCTCCACCTCCTC[A>C]TACTGTTGCCCTTGATTTTTCTGAGACACGGACGATACTGTGTATGGCACTTGGTCTTCG-3'